The following is an entry in ClinVar:

ClinVar aggregate classification (germline): Uncertain significance (1 of 4 stars; one submission).

Allele frequency attached by ClinVar (database versions not stated): gnomAD exomes below 0.00001.

Submission:

Labcorp Genetics (formerly Invitae), Labcorp
Classification: Uncertain significance. Last evaluated: 2022-08-16. Review status: criteria provided, single submitter. Criteria: Invitae Variant Classification Sherloc (09022015). Collection method: clinical testing. Allele origin: germline.
Comment: In summary, the available evidence is currently insufficient to determine the role of this variant in disease. Therefore, it has been classified as a Variant of Uncertain Significance. Algorithms developed to predict the effect of missense changes on protein structure and function are either unavailable or do not agree on the potential impact of this missense change (SIFT: "Tolerated"; PolyPhen-2: "Not Available"; Align-GVGD: "Class C0"). This sequence change replaces isoleucine, which is neutral and non-polar, with threonine, which is neutral and polar, at codon 1994 of the CDH23 protein (p.Ile1994Thr). ClinVar contains an entry for this variant (Variation ID: 1484987). This variant has not been reported in the literature in individuals affected with CDH23-related conditions. This variant is present in population databases (no rsID available, gnomAD 0.005%).

NM_022124.6(CDH23):c.5981T>C (p.Ile1994Thr)

Gene: CDH23 (cadherin related 23; plus strand). Cytogenetic location: 10q22.1.
Variant type: single nucleotide variant.
Coding change: c.5981T>C on transcript NM_022124.6 (MANE Select); coding-DNA position 5981, T replaced by C.
Protein change: p.Ile1994Thr; replaces isoleucine 1994 with threonine.
Molecular consequence: missense variant.
Genome position (GRCh38, 1-based): chr10:71,790,345, T>C. VCF-style: chr10-71790345-T-C. GRCh37 (hg19) VCF-style: chr10-73550102-T-C.
Other names: short protein forms I1994T.
Identifiers: ClinVar variation 1484987 (VCV001484987.8), dbSNP rs1358011780, ClinGen allele CA377150712.
Genomic context (GRCh38, chr10:71,790,345, plus strand): 5'-CAGGCACCCCTCTCACGGTGCTCAATGGGCCCATCCTGGCCCTGGATGCAGACCAAGACA[T>C]CTACGCCGTGGTGACCTACCAGCTGCTGGGTGCCCAGAGTGGCCTCTTTGACATCAACAG-3'
Protein context (NP_071407.4, residues 1984-2004): PILALDADQD[Ile1994Thr]YAVVTYQLLG